The following is an entry in ClinVar:

NM_004385.5(VCAN):c.7508C>A (p.Thr2503Asn)

Genes: VCAN (versican; plus strand), VCAN-AS1 (VCAN antisense RNA 1; minus strand). Cytogenetic location: 5q14.3.
Variant type: single nucleotide variant.
Coding change: c.7508C>A on transcript NM_004385.5 (MANE Select); coding-DNA position 7508, C replaced by A.
Protein change: p.Thr2503Asn; replaces threonine 2503 with asparagine.
Molecular consequence: missense variant. On other transcripts: intron variant (2).
Genome position (GRCh38, 1-based): chr5:83,540,511, C>A. VCF-style: chr5-83540511-C-A. GRCh37 (hg19) VCF-style: chr5-82836330-C-A.
Other names: c.4004-5026C>A (NM_001164098.2); c.1043-5026C>A (NM_001126336.3); c.4547C>A, p.Thr1516Asn (NM_001164097.2); short protein forms T2503N, T1516N.
Identifiers: ClinVar variation 2755653 (VCV002755653.3), dbSNP rs1457765669, ClinGen allele CA360314884.

ClinVar aggregate classification (germline): Uncertain significance (1 of 4 stars; one submission).

Submission:

Labcorp Genetics (formerly Invitae), Labcorp
Classification: Uncertain significance. Last evaluated: 2023-08-27. Review status: criteria provided, single submitter. Criteria: Invitae Variant Classification Sherloc (09022015). Collection method: clinical testing. Allele origin: germline.
Comment: In summary, the available evidence is currently insufficient to determine the role of this variant in disease. Therefore, it has been classified as a Variant of Uncertain Significance. This sequence change replaces threonine, which is neutral and polar, with asparagine, which is neutral and polar, at codon 2503 of the VCAN protein (p.Thr2503Asn). This variant is not present in population databases (gnomAD no frequency). This variant has not been reported in the literature in individuals affected with VCAN-related conditions. An algorithm developed to predict the effect of missense changes on protein structure and function (PolyPhen-2) suggests that this variant is likely to be tolerated.